The following is an entry in ClinVar:

NM_000051.4(ATM):c.6385T>G (p.Tyr2129Asp)

Genes: ATM (ATM serine/threonine kinase; plus strand), C11orf65 (chromosome 11 open reading frame 65; minus strand). Cytogenetic location: 11q22.3.
Variant type: single nucleotide variant.
Coding change: c.6385T>G on transcript NM_000051.4 (MANE Select); coding-DNA position 6385, T replaced by G.
Protein change: p.Tyr2129Asp; replaces tyrosine 2129 with aspartic acid.
Molecular consequence: missense variant. On other transcripts: intron variant (2).
Genome position (GRCh38, 1-based): chr11:108,319,991, T>G. VCF-style: chr11-108319991-T-G. GRCh37 (hg19) VCF-style: chr11-108190718-T-G.
Other names: c.6385T>G, p.Tyr2129Asp (NM_001351834.2); c.641-10920A>C (NM_001330368.2); c.*39-10920A>C (NM_001351110.2); short protein forms Y2129D.
Identifiers: ClinVar variation 230391 (VCV000230391.8), dbSNP rs876658542, ClinGen allele CA10579221.

ClinVar aggregate classification (germline): Conflicting classifications of pathogenicity. Review status: criteria provided, conflicting classifications (1 of 4 stars). 2 submissions from 2 submitters: Likely pathogenic (1); Uncertain significance (1). Last evaluated 2016-07-05.

Conditions:
Hereditary cancer-predisposing syndrome. Also called: Neoplastic Syndromes, Hereditary; Hereditary neoplastic syndrome; Tumor predisposition; Hereditary Cancer Syndrome. Identifiers: Orphanet 140162, MedGen C0027672, MeSH D009386, MONDO:0015356.
Ataxia-telangiectasia syndrome (AT). Also called: Ataxia telangiectasia (A-T); Cerebello-oculocutaneous telangiectasia; Immunodeficiency with ataxia telangiectasia; LOUIS-BAR SYNDROME; AT, COMPLEMENTATION GROUP C; ATAXIA-TELANGIECTASIA, FRESNO VARIANT. Identifiers: Orphanet 100, MedGen C0004135, MONDO:0008840, OMIM 208900.

Submissions (2):

Center of Genomic medicine, Geneva, University Hospital of Geneva
Classification: Likely pathogenic for Ataxia-telangiectasia syndrome. Last evaluated: 2016-07-05. Review status: criteria provided, single submitter. Criteria: ACMG Guidelines, 2015. Collection method: clinical testing. Allele origin: maternal. Affected: yes. Observed: 2 variant alleles.

Ambry Genetics
Classification: Uncertain significance for Hereditary cancer-predisposing syndrome. Last evaluated: 2015-02-02. Review status: criteria provided, single submitter. Criteria: Ambry Variant Classification Scheme 2023. Collection method: clinical testing. Allele origin: germline.
Comment: The p.Y2129D variant (also known as c.6385T>G), located in coding exon 43 of the ATM gene, results from a T to G substitution at nucleotide position 6385. The tyrosine at codon 2129 is replaced by aspartic acid, an amino acid with highly dissimilar properties. This amino acid position is well conserved in available vertebrate species. In addition, this alteration is predicted to be deleterious by in silico analysis. Since supporting evidence is limited at this time, the clinical significance of this alteration remains unclear.